The following is an entry in ClinVar:

ClinVar aggregate classification (germline): Uncertain significance (1 of 4 stars; one submission).

gnomAD v4.1: 4 of 1,613,922 alleles (0.00025%); highest among the groups gnomAD compares: Admixed American, 0.0033%; no homozygotes.

Submission:

Labcorp Genetics (formerly Invitae), Labcorp
Classification: Uncertain significance. Last evaluated: 2025-02-18. Review status: criteria provided, single submitter. Criteria: Invitae Variant Classification Sherloc (09022015). Collection method: clinical testing. Allele origin: germline.
Comment: This sequence change replaces serine, which is neutral and polar, with cysteine, which is neutral and slightly polar, at codon 259 of the TRAP1 protein (p.Ser259Cys). This variant is present in population databases (rs61753378, gnomAD 0.006%). This variant has not been reported in the literature in individuals affected with TRAP1-related conditions. Invitae Evidence Modeling of protein sequence and biophysical properties (such as structural, functional, and spatial information, amino acid conservation, physicochemical variation, residue mobility, and thermodynamic stability) indicates that this missense variant is not expected to disrupt TRAP1 protein function with a negative predictive value of 80%. In summary, the available evidence is currently insufficient to determine the role of this variant in disease. Therefore, it has been classified as a Variant of Uncertain Significance.

NM_016292.3(TRAP1):c.776C>G (p.Ser259Cys)

Gene: TRAP1 (TNF receptor associated protein 1; minus strand). Cytogenetic location: 16p13.3.
Variant type: single nucleotide variant.
Coding change: c.776C>G on transcript NM_016292.3 (MANE Select); coding-DNA position 776, C replaced by G.
Protein change: p.Ser259Cys; replaces serine 259 with cysteine.
Molecular consequence: missense variant.
Genome position (GRCh38, 1-based): chr16:3,676,074, G>C on the plus strand (C>G on the coding strand, the complement: TRAP1 is on the minus strand). VCF-style: chr16-3676074-G-C. GRCh37 (hg19) VCF-style: chr16-3726075-G-C.
Other names: c.617C>G, p.Ser206Cys (NM_001272049.2); short protein forms S259C, S206C.
Identifiers: ClinVar variation 4693357 (VCV004693357.1).